The following is an entry in ClinVar:

NM_000095.3(COMP):c.895G>C (p.Gly299Arg)

Gene: COMP (cartilage oligomeric matrix protein; minus strand). Cytogenetic location: 19p13.11.
Variant type: single nucleotide variant.
Coding change: c.895G>C on transcript NM_000095.3 (MANE Select); coding-DNA position 895, G replaced by C.
Protein change: p.Gly299Arg; replaces glycine 299 with arginine.
Molecular consequence: missense variant.
Genome position (GRCh38, 1-based): chr19:18,788,292, C>G on the plus strand (G>C on the coding strand, the complement: COMP is on the minus strand). VCF-style: chr19-18788292-C-G. GRCh37 (hg19) VCF-style: chr19-18899101-C-G.
Other names: short protein forms G299R.
Identifiers: ClinVar variation 4280638 (VCV004280638.1).

ClinVar aggregate classification (germline): Pathogenic (1 of 4 stars; one submission).

Conditions:
Pseudoachondroplastic spondyloepiphyseal dysplasia syndrome (PSACH). Also called: PSEUDOACHONDROPLASTIC DYSPLASIA; Pseudoachondroplasia; COMP-Related Pseudoachondroplasia. Identifiers: Orphanet 750, MedGen C0410538, MONDO:0008322, OMIM 177170.

Submission:

Clinical Biomedical Laboratory, Shriners Hospital For Children - Canada
Classification: Pathogenic for Pseudoachondroplastic spondyloepiphyseal dysplasia syndrome. Last evaluated: 2025-10-05. Review status: criteria provided, single submitter. Criteria: ACMG Guidelines, 2015. Collection method: clinical testing. Allele origin: germline. Affected: yes.
Comment: This variant is predicted to substitute a glycine residue by an arginine residue in COMP. In the Genome Aggregation Database (gnomAD v2.1.1) this variant is very rare. Computational tools (REVEL: 0.965) suggest that the amino acid change is damaging to protein function. The affected nucleotide is conserved in evolution (PhyloP100 = 7.46, highly conserved). A different nucleotide variant that leads to the same amino acid change is listed in ClinVar as pathogenic by multiple submitters and has been published several times as a cause of pseudoachondroplasia (e.g., PMID 21922596).

Literature cited by the submitters: PubMed 21922596.